The following is an entry in ClinVar:

NM_000264.5(PTCH1):c.2204T>A (p.Phe735Tyr)

Genes: PTCH1 (patched 1; minus strand), LOC100507346 (uncharacterized LOC100507346; plus strand). Cytogenetic location: 9q22.32.
Variant type: single nucleotide variant.
Coding change: c.2204T>A on transcript NM_000264.5 (MANE Select); coding-DNA position 2204, T replaced by A.
Protein change: p.Phe735Tyr; replaces phenylalanine 735 with tyrosine.
Molecular consequence: missense variant. On other transcripts: non-coding transcript variant (2).
Genome position (GRCh38, 1-based): chr9:95,468,797, A>T on the plus strand (T>A on the coding strand, the complement: PTCH1 is on the minus strand). VCF-style: chr9-95468797-A-T. GRCh37 (hg19) VCF-style: chr9-98231079-A-T.
Other names: c.2006T>A, p.Phe669Tyr (NM_001083602.3); c.2201T>A, p.Phe734Tyr (NM_001083603.3); c.1751T>A, p.Phe584Tyr (NM_001083604.3, NM_001083605.3, NM_001083606.3 and 1 more transcripts); c.2048T>A, p.Phe683Tyr (NM_001354918.2); short protein forms F735Y, F683Y, F734Y, F584Y, F669Y.
Identifiers: ClinVar variation 1498991 (VCV001498991.8), dbSNP rs2118027491, ClinGen allele CA374115335.
Genomic context (GRCh38, chr9:95,468,797, plus strand): 5'-TTGTGGCAGATTACCTTGGCTTTTGGTTTCAAGAGGAAAGGAGCATAGTGCTTCTCAGCA[A>T]AAGATGAGAGTGTCCACTTCGTACAGGGGGGCTCGAGGCAGTGGAGGCTGGAGTCGGAGA-3'
Protein context (NP_000255.2, residues 725-745): PPCTKWTLSS[Phe735Tyr]AEKHYAPFLL

ClinVar aggregate classification (germline): Uncertain significance (1 of 4 stars; one submission).

Conditions:
Gorlin syndrome. Also called: Nevoid Basal Cell Carcinoma Syndrome; Basal cell nevus syndrome. Identifiers: Orphanet 377, MedGen C0004779, MONDO:0007187.

Submission:

Labcorp Genetics (formerly Invitae), Labcorp
Classification: Uncertain significance for Gorlin syndrome. Last evaluated: 2020-11-13. Review status: criteria provided, single submitter. Criteria: Invitae Variant Classification Sherloc (09022015). Collection method: clinical testing. Allele origin: germline.
Comment: This sequence change replaces phenylalanine with tyrosine at codon 735 of the PTCH1 protein (p.Phe735Tyr). The phenylalanine residue is highly conserved and there is a small physicochemical difference between phenylalanine and tyrosine. In summary, the available evidence is currently insufficient to determine the role of this variant in disease. Therefore, it has been classified as a Variant of Uncertain Significance. Algorithms developed to predict the effect of missense changes on protein structure and function are either unavailable or do not agree on the potential impact of this missense change (SIFT: "Tolerated"; PolyPhen-2: "Probably Damaging"; Align-GVGD: "Class C0"). This variant has not been reported in the literature in individuals with PTCH1-related conditions. This variant is not present in population databases (ExAC no frequency).